The following is an entry in ClinVar:

NM_178140.4(PDZD2):c.5859C>T (p.Ser1953=)

Gene: PDZD2 (PDZ domain containing 2; plus strand). Cytogenetic location: 5p13.3.
Variant type: single nucleotide variant.
Coding change: c.5859C>T on transcript NM_178140.4 (MANE Select); coding-DNA position 5859, C replaced by T.
Protein change: p.Ser1953=; no amino-acid change (serine 1953 retained).
Molecular consequence: synonymous variant.
Genome position (GRCh38, 1-based): chr5:32,089,307, C>T. VCF-style: chr5-32089307-C-T. GRCh37 (hg19) VCF-style: chr5-32089413-C-T.
Other names: c.5859C>T (NM_178140.3).
Identifiers: ClinVar variation 2655381 (VCV002655381.25), dbSNP rs147328907, ClinGen allele CA3220003.

ClinVar aggregate classification (germline): Likely benign. Review status: criteria provided, single submitter (1 of 4 stars). 2 submissions from 2 submitters: Likely benign (1). 1 of the submissions does not count toward it. Last evaluated 2022-11-01.

Conditions:
PDZD2-related disorder. Also called: PDZD2-related condition.

Allele frequency attached by ClinVar (database versions not stated): 1000 Genomes Project 30x 0.00156; 1000 Genomes Project 0.00160; ESP Exome Variant Server 0.00277; gnomAD 0.00311; TOPMed 0.00343.
gnomAD v4.1: 5,435 of 1,614,136 alleles (0.34%); highest among the groups gnomAD compares: Middle Eastern, 0.4%; 14 homozygotes.

Submissions (2):

CeGaT Center for Human Genetics Tuebingen
Classification: Likely benign. Last evaluated: 2022-11-01. Review status: criteria provided, single submitter. Criteria: CeGaT Center For Human Genetics Tuebingen Variant Classification Criteria Version 2. Collection method: clinical testing. Allele origin: germline. Affected: yes. Observed: 1 variant allele.
Comment: PDZD2: BP4, BP7, BS2

PreventionGenetics, part of Exact Sciences
Classification: Likely benign for PDZD2-related condition. Last evaluated: 2019-03-04. Review status: no assertion criteria provided. Collection method: clinical testing. Allele origin: germline. Not counted in ClinVar's aggregate classification.
Comment: This variant is classified as likely benign based on ACMG/AMP sequence variant interpretation guidelines (Richards et al. 2015 PMID: 25741868, with internal and published modifications).